The following is an entry in ClinVar:

NM_005559.4(LAMA1):c.8318_8320dup (p.Leu2773_His2774insLeu)

Gene: LAMA1 (laminin subunit alpha 1; minus strand). Cytogenetic location: 18p11.31.
Variant type: Duplication.
Coding change: c.8318_8320dup on transcript NM_005559.4 (MANE Select); coding-DNA positions 8318 to 8320, 3 bases duplicated (TCC; older notation c.8318_8320dupTCC).
Protein change: p.Leu2773_His2774insLeu.
Molecular consequence: inframe insertion.
Genome position (GRCh38, 1-based): chr18:6,950,859-6,950,861, GGA duplicated on the plus strand (TCC on the coding strand, the reverse complement: LAMA1 is on the minus strand); duplicating any 3 consecutive bases within chr18:6,950,859-6,950,863 gives the same sequence; the c. name uses the placement nearest the transcript's 3' end. VCF-style (leftmost placement, unchanged base first): chr18-6950858-T-TGGA. GRCh37 (hg19) VCF-style: chr18-6950857-T-TGGA.
Identifiers: ClinVar variation 1911854 (VCV001911854.5), dbSNP rs751383113, ClinGen allele CA8880510.

ClinVar aggregate classification (germline): Uncertain significance (1 of 4 stars; one submission).

Submission:

Labcorp Genetics (formerly Invitae), Labcorp
Classification: Uncertain significance. Last evaluated: 2024-10-24. Review status: criteria provided, single submitter. Criteria: Invitae Variant Classification Sherloc (09022015). Collection method: clinical testing. Allele origin: germline.
Comment: This variant, c.8318_8320dup, results in the insertion of 1 amino acid(s) of the LAMA1 protein (p.Leu2773dup), but otherwise preserves the integrity of the reading frame. This variant is present in population databases (rs751383113, gnomAD 0.0009%). This variant has not been reported in the literature in individuals affected with LAMA1-related conditions. ClinVar contains an entry for this variant (Variation ID: 1911854). In summary, the available evidence is currently insufficient to determine the role of this variant in disease. Therefore, it has been classified as a Variant of Uncertain Significance.